The following is an entry in ClinVar:

NM_001198800.3(ASCC1):c.122A>G (p.Glu41Gly)

Gene: ASCC1 (activating signal cointegrator 1 complex subunit 1; minus strand). Cytogenetic location: 10q22.1.
Variant type: single nucleotide variant.
Coding change: c.122A>G on transcript NM_001198800.3 (MANE Select); coding-DNA position 122, A replaced by G.
Protein change: p.Glu41Gly; replaces glutamic acid 41 with glycine.
Molecular consequence: missense variant. On other transcripts: non-coding transcript variant (1).
Genome position (GRCh38, 1-based): chr10:72,210,822, T>C on the plus strand (A>G on the coding strand, the complement: ASCC1 is on the minus strand). VCF-style: chr10-72210822-T-C. GRCh37 (hg19) VCF-style: chr10-73970580-T-C.
Other names: c.122A>G, p.Glu41Gly (NM_001198798.2, NM_001198799.3, NM_001369087.1 and 19 more transcripts); c.188A>G, p.Glu63Gly (NM_001369085.1, NM_001369086.1, NM_001369099.1); c.5A>G, p.Glu2Gly (NM_001369101.1, NM_001369102.1, NM_001369105.1 and 2 more transcripts); short protein forms E2G, E41G, E63G.
Identifiers: ClinVar variation 1999842 (VCV001999842.3), dbSNP rs2494437059, ClinGen allele CA377148941.

ClinVar aggregate classification (germline): Uncertain significance (1 of 4 stars; one submission).

Submission:

Labcorp Genetics (formerly Invitae), Labcorp
Classification: Uncertain significance. Last evaluated: 2022-09-23. Review status: criteria provided, single submitter. Criteria: Invitae Variant Classification Sherloc (09022015). Collection method: clinical testing. Allele origin: germline.
Comment: This sequence change replaces glutamic acid, which is acidic and polar, with glycine, which is neutral and non-polar, at codon 41 of the ASCC1 protein (p.Glu41Gly). This variant is not present in population databases (gnomAD no frequency). This variant has not been reported in the literature in individuals affected with ASCC1-related conditions. Advanced modeling of protein sequence and biophysical properties (such as structural, functional, and spatial information, amino acid conservation, physicochemical variation, residue mobility, and thermodynamic stability) performed at Invitae indicates that this missense variant is not expected to disrupt ASCC1 protein function. In summary, the available evidence is currently insufficient to determine the role of this variant in disease. Therefore, it has been classified as a Variant of Uncertain Significance.